The following is an entry in ClinVar:

ClinVar aggregate classification (germline): Pathogenic (1 of 4 stars; one submission).

Conditions:
Hereditary cancer-predisposing syndrome. Also called: Neoplastic Syndromes, Hereditary; Tumor predisposition; Hereditary Cancer Syndrome; Hereditary neoplastic syndrome. Identifiers: Orphanet 140162, MedGen C0027672, MeSH D009386, MONDO:0015356.

Submission:

Ambry Genetics
Classification: Pathogenic for Hereditary cancer-predisposing syndrome. Last evaluated: 2018-12-21. Review status: criteria provided, single submitter. Criteria: Ambry Variant Classification Scheme 2023. Collection method: clinical testing. Allele origin: germline.
Comment: The c.831delG pathogenic mutation, located in coding exon 8 of the PMS2 gene, results from a deletion of one nucleotide at nucleotide position 831, causing a translational frameshift with a predicted alternate stop codon (p.H278Mfs*29). This alteration is expected to result in loss of function by premature protein truncation or nonsense-mediated mRNA decay. As such, this alteration is interpreted as a disease-causing mutation.

NM_000535.7(PMS2):c.831del (p.His278fs)

Gene: PMS2 (PMS1 homolog 2, mismatch repair system component; minus strand). Cytogenetic location: 7p22.1.
Variant type: Deletion.
Coding change: c.831del on transcript NM_000535.7 (MANE Select); coding-DNA position 831, one base deleted (G; older notation c.831delG).
Protein change: p.His278fs; shifts the reading frame from histidine 278.
Molecular consequence: frameshift variant. On other transcripts: 5 prime UTR variant (2), non-coding transcript variant (1).
Genome position (GRCh38, 1-based): chr7:5,995,606, C deleted on the plus strand (G on the coding strand, the reverse complement: PMS2 is on the minus strand). VCF-style (leftmost placement, unchanged base first): chr7-5995605-GC-G. GRCh37 (hg19) VCF-style: chr7-6035236-GC-G.
Other names: c.426delG, p.His143Metfs (NM_001018040.1, NM_001406887.1, NM_001406888.1 and 15 more transcripts); c.426del, p.His143fs (NM_001322003.2, NM_001322004.2, NM_001322005.2 and 2 more transcripts); c.831del, p.His278fs (NM_001322006.2, NM_001322014.2); c.513del, p.His172fs (NM_001322007.2, NM_001322008.2); c.-103del (NM_001322011.2, NM_001322012.2); c.258del, p.His87fs (NM_001322013.2); c.522del, p.His175fs (NM_001322015.2); c.1017delG, p.His340Metfs (NM_001406866.1); and 9 more; short protein forms H175fs, H87fs, H143fs, H172fs, H278fs.
Identifiers: ClinVar variation 1762914 (VCV001762914.2), dbSNP rs2536153213, ClinGen allele CA2580076806.